The following is an entry in ClinVar:

ClinVar aggregate classification (germline): Uncertain significance (1 of 4 stars; one submission).

Conditions:
RASopathy. Also called: rasopathies; Noonan spectrum disorder. Identifiers: Orphanet 536391, MedGen C5555857, MONDO:0021060.

Submission:

Labcorp Genetics (formerly Invitae), Labcorp
Classification: Uncertain significance for RASopathy. Last evaluated: 2021-03-08. Review status: criteria provided, single submitter. Criteria: Invitae Variant Classification Sherloc (09022015). Collection method: clinical testing. Allele origin: germline.
Comment: In summary, the available evidence is currently insufficient to determine the role of this variant in disease. Therefore, it has been classified as a Variant of Uncertain Significance. Advanced modeling of protein sequence and biophysical properties (such as structural, functional, and spatial information, amino acid conservation, physicochemical variation, residue mobility, and thermodynamic stability) performed at Invitae indicates that this missense variant is expected to disrupt RAF1 protein function. This variant has not been reported in the literature in individuals with RAF1-related conditions. This variant is not present in population databases (ExAC no frequency). This sequence change replaces leucine with proline at codon 82 of the RAF1 protein (p.Leu82Pro). The leucine residue is highly conserved and there is a moderate physicochemical difference between leucine and proline.

NM_002880.4(RAF1):c.245T>C (p.Leu82Pro)

Gene: RAF1 (Raf-1 proto-oncogene, serine/threonine kinase; minus strand). Cytogenetic location: 3p25.2.
Variant type: single nucleotide variant.
Coding change: c.245T>C on transcript NM_002880.4 (MANE Select); coding-DNA position 245, T replaced by C.
Protein change: p.Leu82Pro; replaces leucine 82 with proline.
Molecular consequence: missense variant. On other transcripts: non-coding transcript variant (3), intron variant (4).
Genome position (GRCh38, 1-based): chr3:12,612,025, A>G on the plus strand (T>C on the coding strand, the complement: RAF1 is on the minus strand). VCF-style: chr3-12612025-A-G. GRCh37 (hg19) VCF-style: chr3-12653524-A-G.
Other names: c.245T>C, p.Leu82Pro (NM_001354689.3, NM_001354690.3, NM_001354693.3); c.78-2690T>C (NM_001354695.3, NM_001354692.3, NM_001354694.3 and 1 more transcripts); short protein forms L82P.
Identifiers: ClinVar variation 1376403 (VCV001376403.8), dbSNP rs2125431096, ClinGen allele CA351521012.
Genomic context (GRCh38, chr3:12,612,025, plus strand): 5'-AGAAGTCTGAACACTGCACAGCACTCTGGTTGCAGGCCCCTCACCTTGAGTGCTTTCATA[A>G]GGCAGTCATGCAAGCTCATTCCATTTCGCACATTGACCTACAAACAAAGGACCACCTTTA-3'
Protein context (NP_002871.1, residues 72-92): VRNGMSLHDC[Leu82Pro]MKALKVRGLQ